The following is an entry in ClinVar:

NM_014008.5(CCDC22):c.511G>A (p.Val171Met)

Gene: CCDC22 (CCC complex scaffolding subunit CCDC22; plus strand). Cytogenetic location: Xp11.23.
Variant type: single nucleotide variant.
Coding change: c.511G>A on transcript NM_014008.5 (MANE Select); coding-DNA position 511, G replaced by A.
Protein change: p.Val171Met; replaces valine 171 with methionine.
Molecular consequence: missense variant.
Genome position (GRCh38, 1-based): chrX:49,243,160, G>A. VCF-style: chrX-49243160-G-A. GRCh37 (hg19) VCF-style: chrX-49099626-G-A.
Other names: c.511G>A (NM_014008.3); short protein forms V171M.
Identifiers: ClinVar variation 737202 (VCV000737202.30), dbSNP rs148652964, ClinGen allele CA10411251.
Genomic context (GRCh38, chrX:49,243,160, plus strand): 5'-AGCCTGCTCTCCCACCAGGGCTCGGCCCTCCAGAAGCCTTTCCATGCCAGCAGGCTGGTC[G>A]TGCCAGAATTGAGTTCCAGAGGTGGTGAGCATGAGGCTGTGGGGAGGGGTGAGGAGGAAG-3'
Protein context (NP_054727.1, residues 161-181): QKPFHASRLV[Val171Met]PELSSRGEPR

ClinVar aggregate classification (germline): Likely benign. Review status: criteria provided, multiple submitters, no conflicts (2 of 4 stars). 4 submissions from 4 submitters: Likely benign (3). 1 of the submissions does not count toward it. Last evaluated 2026-08-01.

Conditions:
CCDC22-related disorder. Also called: CCDC22-related condition.

Allele frequency attached by ClinVar (database versions not stated): gnomAD 0.00056 and 0.00055; ESP Exome Variant Server 0.00104; gnomAD exomes 0.00008 and 0.00026; ExAC 0.00035; 1000 Genomes Project 30x 0.00042; 1000 Genomes Project 0.00053; TOPMed 0.00053.

Submissions (4):

CeGaT Center for Human Genetics Tuebingen
Classification: Likely benign. Last evaluated: 2026-08-01. Review status: criteria provided, single submitter. Criteria: CeGaT Center For Human Genetics Tuebingen Variant Classification Criteria Version 2. Collection method: clinical testing. Allele origin: germline. Affected: yes. Observed: 2 variant alleles.
Comment: CCDC22: BP4, BS2

Ambry Genetics
Classification: Likely benign. Last evaluated: 2021-12-07. Review status: criteria provided, single submitter. Criteria: Ambry Variant Classification Scheme 2023. Collection method: clinical testing. Allele origin: germline.

Labcorp Genetics (formerly Invitae), Labcorp
Classification: Likely benign. Last evaluated: 2018-03-29. Review status: criteria provided, single submitter. Criteria: Invitae Variant Classification Sherloc (09022015). Collection method: clinical testing. Allele origin: germline.

PreventionGenetics, part of Exact Sciences
Classification: Likely benign for CCDC22-related condition. Last evaluated: 2022-07-20. Review status: no assertion criteria provided. Collection method: clinical testing. Allele origin: germline. Not counted in ClinVar's aggregate classification.
Comment: This variant is classified as likely benign based on ACMG/AMP sequence variant interpretation guidelines (Richards et al. 2015 PMID: 25741868, with internal and published modifications).